The following is an entry in ClinVar:

NM_006904.7(PRKDC):c.3171A>T (p.Lys1057Asn)

Gene: PRKDC (protein kinase, DNA-activated, catalytic subunit; minus strand). Cytogenetic location: 8q11.21.
Variant type: single nucleotide variant.
Coding change: c.3171A>T on transcript NM_006904.7 (MANE Select); coding-DNA position 3171, A replaced by T.
Protein change: p.Lys1057Asn; replaces lysine 1057 with asparagine.
Molecular consequence: missense variant.
Genome position (GRCh38, 1-based): chr8:47,902,667, T>A on the plus strand (A>T on the coding strand, the complement: PRKDC is on the minus strand). VCF-style: chr8-47902667-T-A. GRCh37 (hg19) VCF-style: chr8-48815227-T-A.
Other names: c.3171A>T, p.Lys1057Asn (NM_001081640.2); short protein forms K1057N.
Identifiers: ClinVar variation 3310142 (VCV003310142.1).

ClinVar aggregate classification (germline): Uncertain significance (1 of 4 stars; one submission).

Submission:

Ambry Genetics
Classification: Uncertain significance. Last evaluated: 2024-05-09. Review status: criteria provided, single submitter. Criteria: Ambry Variant Classification Scheme 2023. Collection method: clinical testing. Allele origin: germline.
Comment: The p.K1057N variant (also known as c.3171A>T), located in coding exon 27 of the PRKDC gene, results from an A to T substitution at nucleotide position 3171. The lysine at codon 1057 is replaced by asparagine, an amino acid with similar properties. This amino acid position is conserved. In addition, this alteration is predicted to be tolerated by in silico analysis. Based on the available evidence, the clinical significance of this variant remains unclear.